The following is an entry in ClinVar:

NM_001193315.2(VIPAS39):c.1478A>G (p.Asn493Ser)

Gene: VIPAS39 (VPS33B interacting protein, apical-basolateral polarity regulator, spe-39 homolog; minus strand). Cytogenetic location: 14q24.3.
Variant type: single nucleotide variant.
Coding change: c.1478A>G on transcript NM_001193315.2 (MANE Select); coding-DNA position 1478, A replaced by G.
Protein change: p.Asn493Ser; replaces asparagine 493 with serine.
Molecular consequence: missense variant. On other transcripts: non-coding transcript variant (1).
Genome position (GRCh38, 1-based): chr14:77,427,620, T>C on the plus strand (A>G on the coding strand, the complement: VIPAS39 is on the minus strand). VCF-style: chr14-77427620-T-C. GRCh37 (hg19) VCF-style: chr14-77893963-T-C.
Other names: c.1478A>G, p.Asn493Ser (NM_001193314.2, NM_001193317.2, NM_001400326.1 and 1 more transcripts); c.1331A>G, p.Asn444Ser (NM_001193316.2, NM_001400324.1, NM_001400325.1); c.1445A>G, p.Asn482Ser (NM_001400327.1); c.1391A>G, p.Asn464Ser (NM_001400330.1, NM_001400331.1, NM_001400332.1); c.1385A>G, p.Asn462Ser (NM_001400333.1, NM_001400334.1); c.1373A>G, p.Asn458Ser (NM_001400335.1); c.1343A>G, p.Asn448Ser (NM_001400336.1); c.1238A>G, p.Asn413Ser (NM_001400337.1); and 2 more; short protein forms N398S, N400S, N482S, N493S, N413S, N448S, N462S, N464S.
Identifiers: ClinVar variation 3576795 (VCV003576795.2).
Genomic context (GRCh38, chr14:77,427,620, plus strand): 5'-GCTTTCACAGGCAGGAGAGGAGGAAATGAGGCAGGCTTCAAGGTAGTCAATGCCACTTAA[T>C]TCTTCCATCGAATTTGCTGTGGAAAGAGGAAACAATGAAAGTGTGTGATCAGTTTTCACT-3'
Protein context (NP_001180244.1, residues 483-493): LLSSSQIRWK[Asn493Ser]

ClinVar aggregate classification (germline): Uncertain significance. Review status: criteria provided, multiple submitters, no conflicts (2 of 4 stars). 2 submissions from 2 submitters: Uncertain significance (2). Last evaluated 2025-07-16.

Conditions:
Arthrogryposis, renal dysfunction, and cholestasis 2 (ARCS2). Identifiers: Orphanet 2697, MedGen C3150672, MONDO:0013255, OMIM 613404.

gnomAD v4.1: 12 of 1,614,068 alleles (0.00074%); highest among the groups gnomAD compares: African/African-American, 0.008%; no homozygotes.

Submissions (2):

Labcorp Genetics (formerly Invitae), Labcorp
Classification: Uncertain significance. Last evaluated: 2025-07-16. Review status: criteria provided, single submitter. Criteria: Invitae Variant Classification Sherloc (09022015). Collection method: clinical testing. Allele origin: germline.
Comment: This sequence change replaces asparagine, which is neutral and polar, with serine, which is neutral and polar, at codon 493 of the VIPAS39 protein (p.Asn493Ser). This variant is present in population databases (rs747854319, gnomAD 0.004%). This variant has not been reported in the literature in individuals affected with VIPAS39-related conditions. ClinVar contains an entry for this variant (Variation ID: 3576795). An algorithm developed to predict the effect of missense changes on protein structure and function (PolyPhen-2) suggests that this variant is likely to be disruptive. In summary, the available evidence is currently insufficient to determine the role of this variant in disease. Therefore, it has been classified as a Variant of Uncertain Significance.

Fulgent Genetics
Classification: Uncertain significance for Arthrogryposis, renal dysfunction, and cholestasis 2. Last evaluated: 2024-04-16. Review status: criteria provided, single submitter. Criteria: ACMG Guidelines, 2015. Collection method: clinical testing. Allele origin: germline.